The following is an entry in ClinVar:

NM_001605.3(AARS1):c.-14G>A

Gene: AARS1 (alanyl-tRNA synthetase 1; minus strand). Cytogenetic location: 16q22.1.
Variant type: single nucleotide variant.
Coding change: c.-14G>A on transcript NM_001605.3 (MANE Select); 14 bases upstream of the start codon, G replaced by A.
Molecular consequence: 5 prime UTR variant.
Genome position (GRCh38, 1-based): chr16:70,282,777, C>T on the plus strand (G>A on the coding strand, the complement: AARS1 is on the minus strand). VCF-style: chr16-70282777-C-T. GRCh37 (hg19) VCF-style: chr16-70316680-C-T.
Other names: NC_000016.9:g.70316680C>T.
Identifiers: ClinVar variation 509476 (VCV000509476.2), dbSNP rs555241883, ClinGen allele CA8141258.
Genomic context (GRCh38, chr16:70,282,777, plus strand): 5'-TCTATAAATCGCTGCCGGATTTCACTTGCTGTTAGAGTAGAGTCCATCTTGAAAGTCACC[C>T]CAAAGAACTAATCAAAGAAAAAAAAATGAAGGAAAATTAAGGGAATTGAAAGTCAAAGTA-3'

ClinVar aggregate classification (germline): Likely benign (1 of 4 stars; one submission).

Allele frequency attached by ClinVar (database versions not stated): gnomAD 0.00004; ExAC 0.00007; gnomAD exomes 0.00009; TOPMed 0.00003.
gnomAD v4.1: 139 of 1,613,558 alleles (0.0086%); highest among the groups gnomAD compares: South Asian, 0.045%; 2 homozygotes.

Submissions (2):

GeneDx
Classification: Likely benign. Last evaluated: 2017-05-22. Review status: criteria provided, single submitter. Criteria: GeneDx Variant Classification (06012015). Collection method: clinical testing. Allele origin: germline. Affected: yes.
Comment: This variant is considered likely benign or benign based on one or more of the following criteria: it is a conservative change, it occurs at a poorly conserved position in the protein, it is predicted to be benign by multiple in silico algorithms, and/or has population frequency not consistent with disease.

Dr. Peter K. Rogan Lab, Western University
No classification provided (evidence only). Condition: Malignant tumor of esophagus. Review status: no classification provided. Collection method: in vitro. Allele origin: not applicable. Functional consequence: retained intron. Not counted in ClinVar's aggregate classification.